The following is an entry in ClinVar:

ClinVar aggregate classification (germline): Benign. Review status: criteria provided, multiple submitters, no conflicts (2 of 4 stars). 2 submissions from 2 submitters: Benign (2). Last evaluated 2024-01-24.

Allele frequency attached by ClinVar (database versions not stated): 1000 Genomes Project 0.50958; 1000 Genomes Project 30x 0.51015; TOPMed 0.55834; ESP Exome Variant Server 0.55869; gnomAD 0.56150 and 0.56261; gnomAD exomes 0.60938.
gnomAD v4.1: 975,067 of 1,613,848 alleles (60%); highest among the groups gnomAD compares: Admixed American, 71%; 298,507 homozygotes.

Submissions (2):

Unidad de Genómica Garrahan, Hospital de Pediatría Garrahan
Classification: Benign. Last evaluated: 2024-01-24. Review status: criteria provided, single submitter. Criteria: ACMG Guidelines, 2015. Collection method: clinical testing. Allele origin: germline. Affected: no. Observed: 80 variant alleles.
Comment: This variant is classified as Benign based on local population frequency. This variant was detected in 91% of patients studied by a panel of primary immunodeficiencies. Number of patients: 80. Only high quality variants are reported.

GeneDx
Classification: Benign. Last evaluated: 2015-03-03. Review status: criteria provided, single submitter. Criteria: GeneDx Variant Classification Process June 2021. Collection method: clinical testing. Allele origin: germline. Affected: yes.

NM_006846.4(SPINK5):c.2740-59G>A

Gene: SPINK5 (serine peptidase inhibitor Kazal type 5; plus strand). Cytogenetic location: 5q32.
Variant type: single nucleotide variant.
Coding change: c.2740-59G>A on transcript NM_006846.4 (MANE Select); 59 bases into the intron before coding-DNA position 2740, G replaced by A.
Molecular consequence: intron variant.
Genome position (GRCh38, 1-based): chr5:148,125,664, G>A. VCF-style: chr5-148125664-G-A. GRCh37 (hg19) VCF-style: chr5-147505227-G-A.
Other names: c.2829+51G>A (NM_001127698.2).
Identifiers: ClinVar variation 1249688 (VCV001249688.4), dbSNP rs2112767, ClinGen allele CA11947094.